The following is an entry in ClinVar:

ClinVar aggregate classification (germline): Uncertain significance (1 of 4 stars; one submission).

Conditions:
Progressive sclerosing poliodystrophy (MTDPS4A). Also called: Mitochondrial DNA Depletion Syndrome 4A; ALPERS PROGRESSIVE INFANTILE POLIODYSTROPHY; NEURONAL DEGENERATION OF CHILDHOOD WITH LIVER DISEASE, PROGRESSIVE; Mitochondrial DNA depletion syndrome 4A (Alpers type); Alpers-Huttenlocher Syndrome (AHS); Alpers Syndrome. Identifiers: Orphanet 726, MedGen C0205710, MONDO:0008758, OMIM 203700.

Submission:

Labcorp Genetics (formerly Invitae), Labcorp
Classification: Uncertain significance for Progressive sclerosing poliodystrophy. Last evaluated: 2024-10-24. Review status: criteria provided, single submitter. Criteria: Invitae Variant Classification Sherloc (09022015). Collection method: clinical testing. Allele origin: germline.
Comment: This sequence change replaces glutamic acid, which is acidic and polar, with glutamine, which is neutral and polar, at codon 700 of the POLG protein (p.Glu700Gln). This variant is not present in population databases (gnomAD no frequency). This variant has not been reported in the literature in individuals affected with POLG-related conditions. ClinVar contains an entry for this variant (Variation ID: 1956990). Invitae Evidence Modeling of protein sequence and biophysical properties (such as structural, functional, and spatial information, amino acid conservation, physicochemical variation, residue mobility, and thermodynamic stability) indicates that this missense variant is not expected to disrupt POLG protein function with a negative predictive value of 95%. In summary, the available evidence is currently insufficient to determine the role of this variant in disease. Therefore, it has been classified as a Variant of Uncertain Significance.

NM_002693.3(POLG):c.2098G>C (p.Glu700Gln)

Gene: POLG (DNA polymerase gamma, catalytic subunit; minus strand). Cytogenetic location: 15q26.1.
Variant type: single nucleotide variant.
Coding change: c.2098G>C on transcript NM_002693.3 (MANE Select); coding-DNA position 2098, G replaced by C.
Protein change: p.Glu700Gln; replaces glutamic acid 700 with glutamine.
Molecular consequence: missense variant.
Genome position (GRCh38, 1-based): chr15:89,323,874, C>G on the plus strand (G>C on the coding strand, the complement: POLG is on the minus strand). VCF-style: chr15-89323874-C-G. GRCh37 (hg19) VCF-style: chr15-89867105-C-G.
Other names: c.2098G>C, p.Glu700Gln (NM_001126131.2); short protein forms E700Q.
Identifiers: ClinVar variation 1956990 (VCV001956990.5), dbSNP rs2152063203, ClinGen allele CA393757231.
Genomic context (GRCh38, chr15:89,323,874, plus strand): 5'-CCAGAGCTAGGGGTTGACCTGGCACTGCAGCTCGCAAGTTCTCCATCTTGGCCTCAGCCT[C>G]CACTTCTAAGTAATCCAGTTCTTCTACCTGGAGCAGTCCAAGGACCAAAGTAGTGAAGCA-3'
Protein context (NP_002684.1, residues 690-710): TVEELDYLEV[Glu700Gln]AEAKMENLRA